The following is an entry in ClinVar:

NM_014812.3(CEP170):c.1716+137G>A

Gene: CEP170 (centrosomal protein 170; minus strand). Cytogenetic location: 1q43.
Variant type: single nucleotide variant.
Coding change: c.1716+137G>A on transcript NM_014812.3 (MANE Select); 137 bases into the intron after coding-DNA position 1716, G replaced by A.
Molecular consequence: intron variant.
Genome position (GRCh38, 1-based): chr1:243,172,560, C>T on the plus strand (G>A on the coding strand, the complement: CEP170 is on the minus strand). VCF-style: chr1-243172560-C-T. GRCh37 (hg19) VCF-style: chr1-243335862-C-T.
Other names: c.1422+137G>A (NM_001042405.2, NM_001042404.2).
Identifiers: ClinVar variation 3770600 (VCV003770600.13).

ClinVar aggregate classification (germline): Likely benign (1 of 4 stars; one submission).

Submission:

CeGaT Center for Human Genetics Tuebingen
Classification: Likely benign. Last evaluated: 2026-07-01. Review status: criteria provided, single submitter. Criteria: CeGaT Center For Human Genetics Tuebingen Variant Classification Criteria Version 2. Collection method: clinical testing. Allele origin: germline. Affected: yes. Observed: 2 variant alleles.
Comment: CEP170: BS2